The following is an entry in ClinVar:

ClinVar aggregate classification (germline): Benign/Likely benign. Review status: criteria provided, multiple submitters, no conflicts (2 of 4 stars). 3 submissions from 3 submitters: Benign (1); Likely benign (2). Last evaluated 2025-12-16.

Conditions:
Cardiovascular phenotype. Identifiers: MedGen CN230736.
Spinocerebellar ataxia type 19/22 (SCA19). Also called: SPINOCEREBELLAR ATAXIA 19; SPINOCEREBELLAR ATAXIA 22. Identifiers: Orphanet 98772, MedGen C1846367, MONDO:0011819, OMIM 607346.

Allele frequency attached by ClinVar (database versions not stated): gnomAD 0.00001; gnomAD exomes 0.00001 and 0.00006; TOPMed 0.00002; ExAC 0.00006.
gnomAD v4.1: 11 of 1,613,974 alleles (0.00068%); highest among the groups gnomAD compares: East Asian, 0.02%; no homozygotes.

Submissions (3):

Labcorp Genetics (formerly Invitae), Labcorp
Classification: Benign for Spinocerebellar ataxia type 19/22. Last evaluated: 2025-12-16. Review status: criteria provided, single submitter. Criteria: Invitae Variant Classification Sherloc (09022015). Collection method: clinical testing. Allele origin: germline.

Ambry Genetics
Classification: Likely benign for Cardiovascular phenotype. Last evaluated: 2023-01-25. Review status: criteria provided, single submitter. Criteria: Ambry Variant Classification Scheme 2023. Collection method: clinical testing. Allele origin: germline.

GeneDx
Classification: Likely benign. Last evaluated: 2017-04-19. Review status: criteria provided, single submitter. Criteria: GeneDx Variant Classification (06012015). Collection method: clinical testing. Allele origin: germline. Affected: yes.
Comment: This variant is considered likely benign or benign based on one or more of the following criteria: it is a conservative change, it occurs at a poorly conserved position in the protein, it is predicted to be benign by multiple in silico algorithms, and/or has population frequency not consistent with disease.

NM_001378969.1(KCND3):c.786C>T (p.Ile262=)

Gene: KCND3 (potassium voltage-gated channel subfamily D member 3; minus strand). Cytogenetic location: 1p13.2.
Variant type: single nucleotide variant.
Coding change: c.786C>T on transcript NM_001378969.1 (MANE Select); coding-DNA position 786, C replaced by T.
Protein change: p.Ile262=; no amino-acid change (isoleucine 262 retained).
Molecular consequence: synonymous variant.
Genome position (GRCh38, 1-based): chr1:111,981,941, G>A on the plus strand (C>T on the coding strand, the complement: KCND3 is on the minus strand). VCF-style: chr1-111981941-G-A. GRCh37 (hg19) VCF-style: chr1-112524563-G-A.
Other names: c.786C>T, p.Ile262= (NM_001378970.1, NM_004980.5, NM_172198.3).
Identifiers: ClinVar variation 509045 (VCV000509045.11), dbSNP rs369172530, ClinGen allele CA1007550.
Genomic context (GRCh38, chr1:111,981,941, plus strand): 5'-CACGTCCTCGTTGTTGGTCATGACCAGACCGATGTAGTAGGGCATGATGGCCACCACGTC[G>A]ATGATGCTCATGACGCTGCGGATGAAGCGGTAGCGGCTGGGAGCCGCGAAGAGCCGCAGG-3'
Protein context (NP_001365898.1, residues 252-272): YRFIRSVMSI[Ile262=]DVVAIMPYYI